The following is an entry in ClinVar:

NM_153717.3(EVC):c.939T>A (p.Asn313Lys)

Gene: EVC (EvC ciliary complex subunit 1; plus strand). Cytogenetic location: 4p16.2.
Variant type: single nucleotide variant.
Coding change: c.939T>A on transcript NM_153717.3 (MANE Select); coding-DNA position 939, T replaced by A.
Protein change: p.Asn313Lys; replaces asparagine 313 with lysine.
Molecular consequence: missense variant.
Genome position (GRCh38, 1-based): chr4:5,745,341, T>A. VCF-style: chr4-5745341-T-A. GRCh37 (hg19) VCF-style: chr4-5747068-T-A.
Other names: c.939T>A (NM_153717.2); c.939T>A, p.Asn313Lys (NM_001306090.2, NM_001306092.2); short protein forms N313K.
Identifiers: ClinVar variation 1461848 (VCV001461848.6), dbSNP rs764394644, ClinGen allele CA2835915.

ClinVar aggregate classification (germline): Uncertain significance. Review status: criteria provided, multiple submitters, no conflicts (2 of 4 stars). 2 submissions from 2 submitters: Uncertain significance (2). Last evaluated 2023-09-13.

Conditions:
EVC-related disorder. Also called: EVC-related condition; EVC-related disorders.
Ellis-van Creveld syndrome (EVC). Also called: MESOECTODERMAL DYSPLASIA; Chondroectodermal dysplasia. Identifiers: Orphanet 289, MedGen C0013903, MONDO:0009162, OMIM 225500.
Curry-Hall syndrome (WAD). Also called: WEYERS ACRODENTAL DYSOSTOSIS. Identifiers: Orphanet 952, MedGen C0457013, MONDO:0008673, OMIM 193530.

Allele frequency attached by ClinVar (database versions not stated): gnomAD exomes below 0.00001; TOPMed 0.00002.
gnomAD v4.1: 4 of 1,613,334 alleles (0.00025%); highest among the groups gnomAD compares: Admixed American, 0.0017%; no homozygotes.

Submissions (2):

PreventionGenetics, part of Exact Sciences
Classification: Uncertain significance for EVC-related condition. Last evaluated: 2023-09-13. Review status: criteria provided, single submitter. Criteria: ACMG Guidelines, 2015. Collection method: clinical testing. Allele origin: germline.
Comment: The EVC c.939T>A variant is predicted to result in the amino acid substitution p.Asn313Lys. To our knowledge, this variant has not been reported in the literature. This variant is reported in 0.00088% of alleles in individuals of European (Non-Finnish) descent in gnomAD. At this time, the clinical significance of this variant is uncertain due to the absence of conclusive functional and genetic evidence.

Labcorp Genetics (formerly Invitae), Labcorp
Classification: Uncertain significance for Curry-Hall syndrome; Ellis-van Creveld syndrome. Last evaluated: 2021-09-01. Review status: criteria provided, single submitter. Criteria: Invitae Variant Classification Sherloc (09022015). Collection method: clinical testing. Allele origin: germline.
Comment: This sequence change replaces asparagine with lysine at codon 313 of the EVC protein (p.Asn313Lys). The asparagine residue is highly conserved and there is a moderate physicochemical difference between asparagine and lysine. This variant is present in population databases (rs764394644, ExAC 0.001%). This variant has not been reported in the literature in individuals affected with EVC-related conditions. Algorithms developed to predict the effect of missense changes on protein structure and function are either unavailable or do not agree on the potential impact of this missense change (SIFT: "Deleterious"; PolyPhen-2: "Benign"; Align-GVGD: "Class C0"). In summary, the available evidence is currently insufficient to determine the role of this variant in disease. Therefore, it has been classified as a Variant of Uncertain Significance.